The following is an entry in ClinVar:

NM_018192.4(P3H2):c.1700G>T (p.Gly567Val)

Gene: P3H2 (prolyl 3-hydroxylase 2; minus strand). Cytogenetic location: 3q28.
Variant type: single nucleotide variant.
Coding change: c.1700G>T on transcript NM_018192.4 (MANE Select); coding-DNA position 1700, G replaced by T.
Protein change: p.Gly567Val; replaces glycine 567 with valine.
Molecular consequence: missense variant.
Genome position (GRCh38, 1-based): chr3:189,972,007, C>A on the plus strand (G>T on the coding strand, the complement: P3H2 is on the minus strand). VCF-style: chr3-189972007-C-A. GRCh37 (hg19) VCF-style: chr3-189689796-C-A.
Other names: c.1700G>T (NM_018192.3); c.1157G>T, p.Gly386Val (NM_001134418.2); short protein forms G386V, G567V.
Identifiers: ClinVar variation 1921197 (VCV001921197.4), dbSNP rs760338105, ClinGen allele CA2752798.

ClinVar aggregate classification (germline): Uncertain significance. Review status: criteria provided, multiple submitters, no conflicts (2 of 4 stars). 3 submissions from 3 submitters: Uncertain significance (3). Last evaluated 2025-02-12.

Conditions:
Inborn genetic diseases. Identifiers: MedGen C0950123, MeSH D030342.

Allele frequency attached by ClinVar (database versions not stated): ExAC 0.00002; gnomAD 0.00002; gnomAD exomes 0.00002; TOPMed 0.00004.
gnomAD v4.1: 34 of 1,592,406 alleles (0.0021%); highest among the groups gnomAD compares: Non-Finnish European, 0.0026%; no homozygotes.

Submissions (3):

Ambry Genetics
Classification: Uncertain significance for Inborn genetic diseases. Last evaluated: 2025-02-12. Review status: criteria provided, single submitter. Criteria: Ambry Variant Classification Scheme 2023. Collection method: clinical testing. Allele origin: germline.

Blueprint Genetics
Classification: Uncertain significance. Last evaluated: 2024-05-08. Review status: criteria provided, single submitter. Criteria: ACMG Guidelines, 2015. Collection method: clinical testing. Allele origin: germline.

Labcorp Genetics (formerly Invitae), Labcorp
Classification: Uncertain significance. Last evaluated: 2022-04-05. Review status: criteria provided, single submitter. Criteria: Invitae Variant Classification Sherloc (09022015). Collection method: clinical testing. Allele origin: germline.
Comment: This sequence change replaces glycine, which is neutral and non-polar, with valine, which is neutral and non-polar, at codon 567 of the P3H2 protein (p.Gly567Val). This variant is present in population databases (rs760338105, gnomAD 0.01%). This variant has not been reported in the literature in individuals affected with P3H2-related conditions. Algorithms developed to predict the effect of missense changes on protein structure and function are either unavailable or do not agree on the potential impact of this missense change (SIFT: "Deleterious"; PolyPhen-2: "Possibly Damaging"; Align-GVGD: "Class C0"). Algorithms developed to predict the effect of sequence changes on RNA splicing suggest that this variant may disrupt the consensus splice site. In summary, the available evidence is currently insufficient to determine the role of this variant in disease. Therefore, it has been classified as a Variant of Uncertain Significance.